The following is an entry in ClinVar:

NM_000553.6(WRN):c.600G>T (p.Trp200Cys)

Gene: WRN (WRN RecQ like helicase; plus strand). Cytogenetic location: 8p12.
Variant type: single nucleotide variant.
Coding change: c.600G>T on transcript NM_000553.6 (MANE Select); coding-DNA position 600, G replaced by T.
Protein change: p.Trp200Cys; replaces tryptophan 200 with cysteine.
Molecular consequence: missense variant.
Genome position (GRCh38, 1-based): chr8:31,067,128, G>T. VCF-style: chr8-31067128-G-T. GRCh37 (hg19) VCF-style: chr8-30924644-G-T.
Other names: short protein forms W200C.
Identifiers: ClinVar variation 2429383 (VCV002429383.2), dbSNP rs2130050166, ClinGen allele CA370916230.

ClinVar aggregate classification (germline): Likely pathogenic (0 of 4 stars; one submission).

Conditions:
Progressive pulmonary failure. Identifiers: MedGen C4013572.

Submission:

Department of Medical Genetics, Gazi University
Classification: Likely pathogenic for Progressive pulmonary failure. Last evaluated: 2023-01-24. Review status: no assertion criteria provided. Collection method: clinical testing. Allele origin: biparental. Inheritance: Autosomal recessive inheritance. Affected: yes. Observed: 4 variant alleles, 4 homozygotes. Clinical features observed: Cough (HP:0012735), Dyspnea (HP:0002094), Spontaneous pneumothorax (HP:0002108), Respiratory insufficiency (HP:0002093), Cachexia (HP:0004326), Abnormal pulmonary interstitial morphology (HP:0006530).
Comment: The c.600G>T (p.Trp200Cys) variant in the NM_000553 transcript of the WRN gene, has not been reported in the literature, variant databases (ClinVar, LOVD), and population database (GnomAD). The amino acid residue, p.Trp200, located in the exonuclease domain of the WRN protein, was conserved in vertebrates with the surrounding sequence according to the multiple sequence alignment analysis. In the 3-dimensional (3D) modeling of the exonuclease domain by the pdb file of 2FC0, the spatial position of Trp200 residue was observed to be close enough to interact with Glu84, which has been shown to be a critical residue for the enzymatic function (PMID: 11863428). It was also observed that the replacement of Trp with the Cys residue at position 200 demonstrated the altered interaction. With the Interaction Energy Matrix tool, it was calculated that Trp200 residue could interact with Glu84 through hydrophobic bonds with an energy level of -20.37 kJ/mol, which was the lowest value in the calculations among each amino acid-amino acid interaction of the exonuclease domain. The ΔΔG value of 1.66 kcal/mol calculated for the p.Trp200Cys mutation by the PremPS tool indicated the impaired protein stability owing to the mutation. As a result, it can be expected that the p.Trp200Cys variant would negatively affect the stability of the protein, causing disruption in the exonuclease activity of the WRN protein.

Literature cited by the submitters: PubMed 11863428; PubMed 36214313.